The following is an entry in ClinVar:

ClinVar aggregate classification (germline): Likely benign (1 of 4 stars; one submission).

gnomAD v4.1: 6 of 1,576,782 alleles (0.00038%); highest among the groups gnomAD compares: Middle Eastern, 0.017%; no homozygotes.

Submission:

CeGaT Center for Human Genetics Tuebingen
Classification: Likely benign. Last evaluated: 2026-08-01. Review status: criteria provided, single submitter. Criteria: CeGaT Center For Human Genetics Tuebingen Variant Classification Criteria Version 2. Collection method: clinical testing. Allele origin: germline. Affected: yes. Observed: 2 variant alleles.
Comment: KCNN2: BP4, BP7

NM_021614.4(KCNN2):c.1872T>C (p.Asp624=)

Genes: KCNN2 (potassium calcium-activated channel subfamily N member 2; plus strand), KCNN2-AS1 (KCNN2 antisense RNA 1; minus strand). Cytogenetic location: 5q22.3.
Variant type: single nucleotide variant.
Coding change: c.1872T>C on transcript NM_021614.4 (MANE Select); coding-DNA position 1872, T replaced by C.
Protein change: p.Asp624=; no amino-acid change (aspartic acid 624 retained).
Molecular consequence: synonymous variant. On other transcripts: non-coding transcript variant (2).
Genome position (GRCh38, 1-based): chr5:114,473,146, T>C. VCF-style: chr5-114473146-T-C. GRCh37 (hg19) VCF-style: chr5-113808843-T-C.
Other names: c.2070T>C, p.Asp690= (NM_001372233.1); c.192T>C, p.Asp64= (NM_170775.3).
Identifiers: ClinVar variation 5039716 (VCV005039716.1).